The following is an entry in ClinVar:

ClinVar aggregate classification (germline): Likely pathogenic (1 of 4 stars; one submission).

Conditions:
Pan-Chung-Bellen syndrome. Identifiers: MedGen C5975547, MONDO:0975953, OMIM 621049.

gnomAD v4.1: 3 of 1,611,108 alleles (0.00019%); highest among the groups gnomAD compares: Non-Finnish European, 0.00025%; no homozygotes.

Submission:

Clinical Genomics Laboratory, Washington University in St. Louis
Classification: Likely pathogenic for Pan-Chung-Bellen syndrome. Last evaluated: 2025-06-26. Review status: criteria provided, single submitter. Criteria: ACMG Guidelines, 2015. Collection method: clinical testing. Allele origin: germline. Affected: yes.
Comment: The FRYL c.112G>T (p.Glu38*) variant, to our knowledge, has not been reported in the medical literature and is absent from the general population (gnomAD v.2.1.1), indicating it is not a common variant. This variant causes a premature termination codon, which is predicted to lead to nonsense mediated decay. An in-frame methionine exists at codon 63, and the possibility that this could serve as an alternative translation initiation site cannot be excluded. Due to limited information, and based on ACMG/AMP guidelines for variant interpretation (Richards S et al., PMID: 25741868), this variant is classified as likely pathogenic.

NM_015030.2(FRYL):c.112G>T (p.Glu38Ter)

Gene: FRYL (FRY like transcription coactivator; minus strand). Cytogenetic location: 4p11.
Variant type: single nucleotide variant.
Coding change: c.112G>T on transcript NM_015030.2 (MANE Select); coding-DNA position 112, G replaced by T.
Protein change: p.Glu38Ter; replaces glutamic acid 38 with a stop codon.
Molecular consequence: nonsense.
Genome position (GRCh38, 1-based): chr4:48,634,299, C>A on the plus strand (G>T on the coding strand, the complement: FRYL is on the minus strand). VCF-style: chr4-48634299-C-A. GRCh37 (hg19) VCF-style: chr4-48636316-C-A.
Other names: short protein forms E38*.
Identifiers: ClinVar variation 4279830 (VCV004279830.1).